The following is an entry in ClinVar:

ClinVar aggregate classification (germline): Uncertain significance (1 of 4 stars; one submission).

Conditions:
Biotin-responsive basal ganglia disease (BTBGD). Also called: Thiamine Transporter-2 Deficiency; THIAMINE METABOLISM DYSFUNCTION SYNDROME 2 (BIOTIN- AND THIAMINE-RESPONSIVE TYPE); Thiamine metabolism dysfunction syndrome 2 (biotin- or thiamine-responsive encephalopathy type 2); thiamine-responsive encephalopathy; Thiamine metabolism dysfunction syndrome type 2. Identifiers: Orphanet 199348, Orphanet 65284, MedGen C1843807, MONDO:0011841, OMIM 607483.

Allele frequency attached by ClinVar (database versions not stated): gnomAD 0.00003; gnomAD exomes 0.00012; ExAC 0.00014.

Submission:

Labcorp Genetics (formerly Invitae), Labcorp
Classification: Uncertain significance for Biotin-responsive basal ganglia disease. Last evaluated: 2021-09-01. Review status: criteria provided, single submitter. Criteria: Invitae Variant Classification Sherloc (09022015). Collection method: clinical testing. Allele origin: germline.
Comment: This sequence change replaces valine with isoleucine at codon 295 of the SLC19A3 protein (p.Val295Ile). The valine residue is weakly conserved and there is a small physicochemical difference between valine and isoleucine. This variant is present in population databases (rs754406086, ExAC 0.09%). This variant has not been reported in the literature in individuals affected with SLC19A3-related conditions. Algorithms developed to predict the effect of missense changes on protein structure and function output the following: SIFT: "Tolerated"; PolyPhen-2: "Benign"; Align-GVGD: "Class C0". The isoleucine amino acid residue is found in multiple mammalian species, which suggests that this missense change does not adversely affect protein function. In summary, the available evidence is currently insufficient to determine the role of this variant in disease. Therefore, it has been classified as a Variant of Uncertain Significance.

NM_025243.4(SLC19A3):c.883G>A (p.Val295Ile)

Gene: SLC19A3 (solute carrier family 19 member 3; minus strand). Cytogenetic location: 2q36.3.
Variant type: single nucleotide variant.
Coding change: c.883G>A on transcript NM_025243.4 (MANE Select); coding-DNA position 883, G replaced by A.
Protein change: p.Val295Ile; replaces valine 295 with isoleucine.
Molecular consequence: missense variant.
Genome position (GRCh38, 1-based): chr2:227,698,832, C>T on the plus strand (G>A on the coding strand, the complement: SLC19A3 is on the minus strand). VCF-style: chr2-227698832-C-T. GRCh37 (hg19) VCF-style: chr2-228563548-C-T.
Other names: c.883G>A, p.Val295Ile (NM_001371411.1, NM_001371412.1); c.871G>A, p.Val291Ile (NM_001371413.1, NM_001371414.1); short protein forms V291I, V295I.
Identifiers: ClinVar variation 1054701 (VCV001054701.6), dbSNP rs754406086, ClinGen allele CA2149221.
Genomic context (GRCh38, chr2:227,698,832, plus strand): 5'-AGATGGAAGAATCTTGGGATGGCGCCTTGTAATCCCACAGGATTTGAACATAGTTCAAAA[C>T]CTGGTTAAAACCTGCTGTGGCGAAAGCCCACCATAGAGACCAGTAGAAAAGACGTTTTGA-3'
Protein context (NP_079519.1, residues 285-305): WAFATAGFNQ[Val295Ile]LNYVQILWDY